The following is an entry in ClinVar:

NM_001358921.2(COQ2):c.-12C>T

Genes: COQ2 (coenzyme Q2, polyprenyltransferase; minus strand), LOC112997540 (Sharpr-MPRA regulatory region 13773; plus strand). Cytogenetic location: 4q21.23.
Variant type: single nucleotide variant.
Coding change: c.-12C>T on transcript NM_001358921.2 (MANE Select); 12 bases upstream of the start codon, C replaced by T.
Molecular consequence: 5 prime UTR variant. On other transcripts: missense variant (1).
Genome position (GRCh38, 1-based): chr4:83,284,776, G>A on the plus strand (C>T on the coding strand, the complement: COQ2 is on the minus strand). VCF-style: chr4-83284776-G-A. GRCh37 (hg19) VCF-style: chr4-84205929-G-A.
Other names: c.139C>T, p.Leu47Phe (NM_015697.9); short protein forms L47F.
Identifiers: ClinVar variation 1909405 (VCV001909405.5), dbSNP rs1330958123, ClinGen allele CA357231276.

ClinVar aggregate classification (germline): Uncertain significance (1 of 4 stars; one submission).

Allele frequency attached by ClinVar (database versions not stated): TOPMed below 0.00001; gnomAD 0.00001.
gnomAD v4.1: 10 of 1,561,840 alleles (0.00064%); highest among the groups gnomAD compares: Admixed American, 0.0055%; no homozygotes.

Submission:

Labcorp Genetics (formerly Invitae), Labcorp
Classification: Uncertain significance. Last evaluated: 2022-06-21. Review status: criteria provided, single submitter. Criteria: Invitae Variant Classification Sherloc (09022015). Collection method: clinical testing. Allele origin: germline.
Comment: The frequency data for this variant in the population databases is considered unreliable, as metrics indicate poor data quality at this position in the gnomAD database. This sequence change replaces leucine, which is neutral and non-polar, with phenylalanine, which is neutral and non-polar, at codon 47 of the COQ2 protein (p.Leu47Phe). This variant has not been reported in the literature in individuals affected with COQ2-related conditions. Algorithms developed to predict the effect of missense changes on protein structure and function output the following: SIFT: "Tolerated"; PolyPhen-2: "Benign"; Align-GVGD: "Class C0". The phenylalanine amino acid residue is found in multiple mammalian species, which suggests that this missense change does not adversely affect protein function. In summary, the available evidence is currently insufficient to determine the role of this variant in disease. Therefore, it has been classified as a Variant of Uncertain Significance.